The following is an entry in ClinVar:

NM_017849.4(TMEM127):c.632T>C (p.Leu211Pro)

Gene: TMEM127 (transmembrane protein 127; minus strand). Cytogenetic location: 2q11.2.
Variant type: single nucleotide variant.
Coding change: c.632T>C on transcript NM_017849.4 (MANE Select); coding-DNA position 632, T replaced by C.
Protein change: p.Leu211Pro; replaces leucine 211 with proline.
Molecular consequence: missense variant.
Genome position (GRCh38, 1-based): chr2:96,253,893, A>G on the plus strand (T>C on the coding strand, the complement: TMEM127 is on the minus strand). VCF-style: chr2-96253893-A-G. GRCh37 (hg19) VCF-style: chr2-96919631-A-G.
Other names: c.632T>C, p.Leu211Pro (NM_001193304.3); c.380T>C, p.Leu127Pro (NM_001407282.1, NM_001407283.1); short protein forms L127P, L211P.
Identifiers: ClinVar variation 4844461 (VCV004844461.1).

ClinVar aggregate classification (germline): Uncertain significance (1 of 4 stars; one submission).

Conditions:
Hereditary cancer-predisposing syndrome. Also called: Neoplastic Syndromes, Hereditary; Tumor predisposition; Hereditary Cancer Syndrome; Hereditary neoplastic syndrome. Identifiers: Orphanet 140162, MedGen C0027672, MeSH D009386, MONDO:0015356.

Submission:

Ambry Genetics
Classification: Uncertain significance for Hereditary cancer-predisposing syndrome. Last evaluated: 2026-01-27. Review status: criteria provided, single submitter. Criteria: Ambry Variant Classification Scheme 2023. Collection method: clinical testing. Allele origin: germline.
Comment: The p.L211P variant (also known as c.632T>C), located in coding exon 3 of the TMEM127 gene, results from a T to C substitution at nucleotide position 632. The leucine at codon 211 is replaced by proline, an amino acid with similar properties. This amino acid position is highly conserved in available vertebrate species. In addition, this alteration is predicted to be deleterious by in silico analysis. Based on the available evidence, the clinical significance of this variant remains unclear.